The following is an entry in ClinVar:

NM_001080449.3(DNA2):c.2330T>G (p.Phe777Cys)

Gene: DNA2 (DNA replication helicase/nuclease 2; minus strand). Cytogenetic location: 10q21.3.
Variant type: single nucleotide variant.
Coding change: c.2330T>G on transcript NM_001080449.3 (MANE Select); coding-DNA position 2330, T replaced by G.
Protein change: p.Phe777Cys; replaces phenylalanine 777 with cysteine.
Molecular consequence: missense variant. On other transcripts: non-coding transcript variant (1).
Genome position (GRCh38, 1-based): chr10:68,422,769, A>C on the plus strand (T>G on the coding strand, the complement: DNA2 is on the minus strand). VCF-style: chr10-68422769-A-C. GRCh37 (hg19) VCF-style: chr10-70182526-A-C.
Other names: short protein forms F777C.
Identifiers: ClinVar variation 2116164 (VCV002116164.4), dbSNP rs764046898, ClinGen allele CA376848845.

ClinVar aggregate classification (germline): Uncertain significance (1 of 4 stars; one submission).

Submission:

Labcorp Genetics (formerly Invitae), Labcorp
Classification: Uncertain significance. Last evaluated: 2022-06-14. Review status: criteria provided, single submitter. Criteria: Invitae Variant Classification Sherloc (09022015). Collection method: clinical testing. Allele origin: germline.
Comment: In summary, the available evidence is currently insufficient to determine the role of this variant in disease. Therefore, it has been classified as a Variant of Uncertain Significance. Algorithms developed to predict the effect of missense changes on protein structure and function are either unavailable or do not agree on the potential impact of this missense change (SIFT: "Tolerated"; PolyPhen-2: "Not Available"; Align-GVGD: "Class C0"). This variant has not been reported in the literature in individuals affected with DNA2-related conditions. This variant is not present in population databases (gnomAD no frequency). This sequence change replaces phenylalanine, which is neutral and non-polar, with cysteine, which is neutral and slightly polar, at codon 777 of the DNA2 protein (p.Phe777Cys).